The following is an entry in ClinVar:

ClinVar aggregate classification (germline): Uncertain significance (1 of 4 stars; one submission).

Allele frequency attached by ClinVar (database versions not stated): ExAC 0.00002; gnomAD exomes 0.00002; TOPMed 0.00003; gnomAD 0.00005; 1000 Genomes Project 30x 0.00016; 1000 Genomes Project 0.00020.

Submission:

Labcorp Genetics (formerly Invitae), Labcorp
Classification: Uncertain significance. Last evaluated: 2024-01-31. Review status: criteria provided, single submitter. Criteria: Invitae Variant Classification Sherloc (09022015). Collection method: clinical testing. Allele origin: germline.
Comment: This sequence change replaces glutamic acid, which is acidic and polar, with lysine, which is basic and polar, at codon 162 of the CA4 protein (p.Glu162Lys). This variant is present in population databases (rs573405938, gnomAD 0.06%). This variant has not been reported in the literature in individuals affected with CA4-related conditions. ClinVar contains an entry for this variant (Variation ID: 1910135). Advanced modeling of protein sequence and biophysical properties (such as structural, functional, and spatial information, amino acid conservation, physicochemical variation, residue mobility, and thermodynamic stability) performed at Invitae indicates that this missense variant is not expected to disrupt CA4 protein function with a negative predictive value of 80%. In summary, the available evidence is currently insufficient to determine the role of this variant in disease. Therefore, it has been classified as a Variant of Uncertain Significance.

NM_000717.5(CA4):c.484G>A (p.Glu162Lys)

Gene: CA4 (carbonic anhydrase 4; plus strand). Cytogenetic location: 17q23.1.
Variant type: single nucleotide variant.
Coding change: c.484G>A on transcript NM_000717.5 (MANE Select); coding-DNA position 484, G replaced by A.
Protein change: p.Glu162Lys; replaces glutamic acid 162 with lysine.
Molecular consequence: missense variant. On other transcripts: non-coding transcript variant (1).
Genome position (GRCh38, 1-based): chr17:60,157,759, G>A. VCF-style: chr17-60157759-G-A. GRCh37 (hg19) VCF-style: chr17-58235120-G-A.
Other names: short protein forms E162K.
Identifiers: ClinVar variation 1910135 (VCV001910135.5), dbSNP rs573405938, ClinGen allele CA8685377.